The following is an entry in ClinVar:

ClinVar aggregate classification (germline): Uncertain significance. Review status: criteria provided, multiple submitters, no conflicts (2 of 4 stars). 2 submissions from 2 submitters: Uncertain significance (2). Last evaluated 2026-08-01.

gnomAD v4.1: 12 of 1,610,084 alleles (0.00075%); highest among the groups gnomAD compares: Middle Eastern, 0.017%; no homozygotes.

Submissions (2):

CeGaT Center for Human Genetics Tuebingen
Classification: Uncertain significance. Last evaluated: 2026-08-01. Review status: criteria provided, single submitter. Criteria: CeGaT Center For Human Genetics Tuebingen Variant Classification Criteria Version 2. Collection method: clinical testing. Allele origin: germline. Affected: yes. Observed: 1 variant allele.
Comment: TTN: PM2, BP1, BP4

GeneDx
Classification: Uncertain significance. Last evaluated: 2023-10-12. Review status: criteria provided, single submitter. Criteria: GeneDx Variant Classification Process June 2021. Collection method: clinical testing. Allele origin: germline. Affected: yes.
Comment: Has not been previously published as pathogenic or benign to our knowledge; Missense variant in a gene in which most reported pathogenic variants are truncating/loss of function; Not observed at significant frequency in large population cohorts (gnomAD)

NM_001267550.2(TTN):c.40831C>G (p.Pro13611Ala)

Gene: TTN (titin; minus strand). Cytogenetic location: 2q31.2.
Variant type: single nucleotide variant.
Coding change: c.40831C>G on transcript NM_001267550.2 (MANE Select); coding-DNA position 40831, C replaced by G.
Protein change: p.Pro13611Ala; replaces proline 13611 with alanine.
Molecular consequence: missense variant.
Genome position (GRCh38, 1-based): chr2:178,639,744, G>C on the plus strand (C>G on the coding strand, the complement: TTN is on the minus strand). VCF-style: chr2-178639744-G-C. GRCh37 (hg19) VCF-style: chr2-179504471-G-C.
Other names: c.35908C>G, p.Pro11970Ala (NM_001256850.1); c.13636C>G, p.Pro4546Ala (NM_003319.4); c.33127C>G, p.Pro11043Ala (NM_133378.4); c.14011C>G, p.Pro4671Ala (NM_133432.3); c.14212C>G, p.Pro4738Ala (NM_133437.4); short protein forms P11043A, P11970A, P13611A, P4546A, P4671A, P4738A.
Identifiers: ClinVar variation 3340630 (VCV003340630.2).